The following is an entry in ClinVar:

NM_016169.4(SUFU):c.13C>T (p.Arg5Trp)

Genes: SUFU (SUFU negative regulator of hedgehog signaling; plus strand), LOC130004614 (ATAC-STARR-seq lymphoblastoid silent region 2764; plus strand). Cytogenetic location: 10q24.32.
Variant type: single nucleotide variant.
Coding change: c.13C>T on transcript NM_016169.4 (MANE Select); coding-DNA position 13, C replaced by T.
Protein change: p.Arg5Trp; replaces arginine 5 with tryptophan.
Molecular consequence: missense variant.
Genome position (GRCh38, 1-based): chr10:102,504,165, C>T. VCF-style: chr10-102504165-C-T. GRCh37 (hg19) VCF-style: chr10-104263922-C-T.
Other names: c.13C>T, p.Arg5Trp (NM_001178133.2); short protein forms R5W.
Identifiers: ClinVar variation 956096 (VCV000956096.13), dbSNP rs948353979, ClinGen allele CA212238071.
Genomic context (GRCh38, chr10:102,504,165, plus strand): 5'-CGTCGTTTGCCCTCTCCAGTTCCCCCAGTGCCTGCCCTACGCACCCCGATGGCGGAGCTG[C>T]GGCCTAGCGGCGCCCCCGGCCCCACCGCGCCCCCGGCCCCTGGCCCGACTGCCCCCCCGG-3'
Protein context (NP_057253.2, residues 1-15): MAEL[Arg5Trp]PSGAPGPTAP

ClinVar aggregate classification (germline): Uncertain significance. Review status: criteria provided, multiple submitters, no conflicts (2 of 4 stars). 3 submissions from 3 submitters: Uncertain significance (3). Last evaluated 2025-09-30.

Conditions:
Hereditary cancer-predisposing syndrome. Also called: Hereditary neoplastic syndrome; Tumor predisposition; Neoplastic Syndromes, Hereditary; Hereditary Cancer Syndrome. Identifiers: Orphanet 140162, MedGen C0027672, MeSH D009386, MONDO:0015356.
Familial meningioma. Also called: Meningioma, familial, susceptibility to. Identifiers: Orphanet 263662, MedGen C3551915, MONDO:0011789, OMIM 607174.
Gorlin syndrome. Also called: Basal cell nevus syndrome; Nevoid Basal Cell Carcinoma Syndrome. Identifiers: Orphanet 377, MedGen C0004779, MONDO:0007187.
Medulloblastoma (MDB). Also called: MEDULLOBLASTOMA PREDISPOSITION SYNDROME; Medulloblastoma, somatic. Identifiers: Orphanet 616, MedGen C0025149, MeSH D008527, MONDO:0007959, OMIM 155255, HP:0002885.

Allele frequency attached by ClinVar (database versions not stated): gnomAD exomes below 0.00001 and 0.00001; gnomAD 0.00001; TOPMed 0.00002.

Submissions (3):

Labcorp Genetics (formerly Invitae), Labcorp
Classification: Uncertain significance for Gorlin syndrome; Medulloblastoma. Last evaluated: 2025-09-30. Review status: criteria provided, single submitter. Criteria: Invitae Variant Classification Sherloc (09022015). Collection method: clinical testing. Allele origin: germline.
Comment: This sequence change replaces arginine, which is basic and polar, with tryptophan, which is neutral and slightly polar, at codon 5 of the SUFU protein (p.Arg5Trp). The frequency data for this variant in the population databases is considered unreliable, as metrics indicate poor data quality at this position in the gnomAD database. This variant has not been reported in the literature in individuals affected with SUFU-related conditions. ClinVar contains an entry for this variant (Variation ID: 956096). An algorithm developed to predict the effect of missense changes on protein structure and function (PolyPhen-2) suggests that this variant is likely to be disruptive. In summary, the available evidence is currently insufficient to determine the role of this variant in disease. Therefore, it has been classified as a Variant of Uncertain Significance.

Ambry Genetics
Classification: Uncertain significance for Hereditary cancer-predisposing syndrome. Last evaluated: 2024-03-11. Review status: criteria provided, single submitter. Criteria: Ambry Variant Classification Scheme 2023. Collection method: clinical testing. Allele origin: germline.
Comment: The p.R5W variant (also known as c.13C>T), located in coding exon 1 of the SUFU gene, results from a C to T substitution at nucleotide position 13. The arginine at codon 5 is replaced by tryptophan, an amino acid with dissimilar properties. This amino acid position is highly conserved in available vertebrate species. In addition, the in silico prediction for this alteration is inconclusive. Based on the available evidence, the clinical significance of this alteration remains unclear.

Baylor Genetics
Classification: Uncertain significance for Familial meningioma. Last evaluated: 2023-05-12. Review status: criteria provided, single submitter. Criteria: ACMG Guidelines, 2015. Collection method: clinical testing. Allele origin: unknown.